The following is an entry in ClinVar:

NM_001851.6(COL9A1):c.601del (p.Ile201fs)

Gene: COL9A1 (collagen type IX alpha 1 chain; minus strand). Cytogenetic location: 6q13.
Variant type: Deletion.
Coding change: c.601del on transcript NM_001851.6 (MANE Select); coding-DNA position 601, one base deleted (A; older notation c.601delA).
Protein change: p.Ile201fs; shifts the reading frame from isoleucine 201.
Molecular consequence: frameshift variant.
Genome position (GRCh38, 1-based): chr6:70,294,262, T deleted on the plus strand (A on the coding strand, the reverse complement: COL9A1 is on the minus strand). VCF-style (leftmost placement, unchanged base first): chr6-70294261-AT-A. GRCh37 (hg19) VCF-style: chr6-71003964-AT-A.
Other names: c.601del, p.Ile201fs (NM_001377291.1); short protein forms I201fs.
Identifiers: ClinVar variation 3723456 (VCV003723456.2).

ClinVar aggregate classification (germline): Pathogenic (1 of 4 stars; one submission).

Submission:

Labcorp Genetics (formerly Invitae), Labcorp
Classification: Pathogenic. Last evaluated: 2024-10-21. Review status: criteria provided, single submitter. Criteria: Invitae Variant Classification Sherloc (09022015). Collection method: clinical testing. Allele origin: germline.
Comment: This sequence change creates a premature translational stop signal (p.Ile201Leufs*6) in the COL9A1 gene. It is expected to result in an absent or disrupted protein product. Loss-of-function variants in COL9A1 are known to be pathogenic (PMID: 16909383, 21421862). This variant is not present in population databases (gnomAD no frequency). This variant has not been reported in the literature in individuals affected with COL9A1-related conditions. For these reasons, this variant has been classified as Pathogenic.

Literature cited by the submitters: PubMed 16909383; PubMed 21421862.